The following is an entry in ClinVar:

NM_002291.3(LAMB1):c.259G>A (p.Glu87Lys)

Gene: LAMB1 (laminin subunit beta 1; minus strand). Cytogenetic location: 7q31.1.
Variant type: single nucleotide variant.
Coding change: c.259G>A on transcript NM_002291.3 (MANE Select); coding-DNA position 259, G replaced by A.
Protein change: p.Glu87Lys; replaces glutamic acid 87 with lysine.
Molecular consequence: missense variant.
Genome position (GRCh38, 1-based): chr7:107,998,447, C>T on the plus strand (G>A on the coding strand, the complement: LAMB1 is on the minus strand). VCF-style: chr7-107998447-C-T. GRCh37 (hg19) VCF-style: chr7-107638892-C-T.
Other names: short protein forms E87K.
Identifiers: ClinVar variation 1176870 (VCV001176870.40), dbSNP rs1262933040, ClinGen allele CA368887141.
Genomic context (GRCh38, chr7:107,998,447, plus strand): 5'-GGTTTGGAGCAAATGTAGTGACCACATTTTCAATGAGATGGCTGTCAGGATTCAGGGTCT[C>T]ATGATAAGGATCTTGGGAATTGCATATGAAGCATTTTTTGTCCTCCTACAAACAAAGTTG-3'
Protein context (NP_002282.2, residues 77-97): FICNSQDPYH[Glu87Lys]TLNPDSHLIE

ClinVar aggregate classification (germline): Uncertain significance. Review status: criteria provided, multiple submitters, no conflicts (2 of 4 stars). 2 submissions from 2 submitters: Uncertain significance (2). Last evaluated 2022-06-19.

Allele frequency attached by ClinVar (database versions not stated): gnomAD exomes below 0.00001.
gnomAD v4.1: 2 of 1,613,934 alleles (0.00012%); highest among the groups gnomAD compares: South Asian, 0.0011%; no homozygotes.

Submissions (2):

Labcorp Genetics (formerly Invitae), Labcorp
Classification: Uncertain significance. Last evaluated: 2022-06-19. Review status: criteria provided, single submitter. Criteria: Invitae Variant Classification Sherloc (09022015). Collection method: clinical testing. Allele origin: germline.
Comment: In summary, the available evidence is currently insufficient to determine the role of this variant in disease. Therefore, it has been classified as a Variant of Uncertain Significance. Algorithms developed to predict the effect of missense changes on protein structure and function are either unavailable or do not agree on the potential impact of this missense change (SIFT: "Deleterious"; PolyPhen-2: "Benign"; Align-GVGD: "Class C55"). ClinVar contains an entry for this variant (Variation ID: 1176870). This variant has not been reported in the literature in individuals affected with LAMB1-related conditions. This variant is present in population databases (no rsID available, gnomAD 0.003%). This sequence change replaces glutamic acid, which is acidic and polar, with lysine, which is basic and polar, at codon 87 of the LAMB1 protein (p.Glu87Lys).

CeGaT Center for Human Genetics Tuebingen
Classification: Uncertain significance. Last evaluated: 2021-06-01. Review status: criteria provided, single submitter. Criteria: CeGaT Center For Human Genetics Tuebingen Variant Classification Criteria Version 2. Collection method: clinical testing. Allele origin: germline. Affected: yes. Observed: 1 variant allele.